The following is an entry in ClinVar:

ClinVar aggregate classification (germline): Likely benign (1 of 4 stars; one submission).

Allele frequency attached by ClinVar (database versions not stated): ExAC 0.00001; gnomAD exomes 0.00001; TOPMed 0.00002; gnomAD 0.00004.
gnomAD v4.1: 17 of 1,613,960 alleles (0.0011%); highest among the groups gnomAD compares: Non-Finnish European, 0.0012%; no homozygotes.

Submission:

CeGaT Center for Human Genetics Tuebingen
Classification: Likely benign. Last evaluated: 2022-09-01. Review status: criteria provided, single submitter. Criteria: CeGaT Center For Human Genetics Tuebingen Variant Classification Criteria Version 2. Collection method: clinical testing. Allele origin: germline. Affected: yes. Observed: 1 variant allele.
Comment: PLEKHG2: BP4

NM_022835.3(PLEKHG2):c.2020A>G (p.Ile674Val)

Gene: PLEKHG2 (pleckstrin homology and RhoGEF domain containing G2; plus strand). Cytogenetic location: 19q13.2.
Variant type: single nucleotide variant.
Coding change: c.2020A>G on transcript NM_022835.3 (MANE Select); coding-DNA position 2020, A replaced by G.
Protein change: p.Ile674Val; replaces isoleucine 674 with valine.
Molecular consequence: missense variant. On other transcripts: intron variant (1).
Genome position (GRCh38, 1-based): chr19:39,423,074, A>G. VCF-style: chr19-39423074-A-G. GRCh37 (hg19) VCF-style: chr19-39913714-A-G.
Other names: c.1843A>G, p.Ile615Val (NM_001351693.2); c.1677+786A>G (NM_001351694.2); short protein forms I615V, I674V.
Identifiers: ClinVar variation 2649834 (VCV002649834.24), dbSNP rs772547333, ClinGen allele CA9429696.